The following is an entry in ClinVar:

ClinVar aggregate classification (germline): Uncertain significance (1 of 4 stars; one submission).

Conditions:
Neurodegeneration with brain iron accumulation 6 (NBIA6). Also called: COASY protein-associated neurodegeneration. Identifiers: Orphanet 397725, MedGen C4517377, MONDO:0014290, OMIM 615643.

Submission:

Labcorp Genetics (formerly Invitae), Labcorp
Classification: Uncertain significance for Neurodegeneration with brain iron accumulation 6. Last evaluated: 2022-04-22. Review status: criteria provided, single submitter. Criteria: Invitae Variant Classification Sherloc (09022015). Collection method: clinical testing. Allele origin: germline.
Comment: In summary, the available evidence is currently insufficient to determine the role of this variant in disease. Therefore, it has been classified as a Variant of Uncertain Significance. Algorithms developed to predict the effect of missense changes on protein structure and function are either unavailable or do not agree on the potential impact of this missense change (SIFT: "Deleterious"; PolyPhen-2: "Probably Damaging"; Align-GVGD: "Class C0"). This variant has not been reported in the literature in individuals affected with COASY-related conditions. This variant is not present in population databases (gnomAD no frequency). This sequence change replaces aspartic acid, which is acidic and polar, with glycine, which is neutral and non-polar, at codon 201 of the COASY protein (p.Asp201Gly).

NM_025233.7(COASY):c.602A>G (p.Asp201Gly)

Gene: COASY (Coenzyme A synthase; plus strand). Cytogenetic location: 17q21.2.
Variant type: single nucleotide variant.
Coding change: c.602A>G on transcript NM_025233.7 (MANE Select); coding-DNA position 602, A replaced by G.
Protein change: p.Asp201Gly; replaces aspartic acid 201 with glycine.
Molecular consequence: missense variant.
Genome position (GRCh38, 1-based): chr17:42,563,224, A>G. VCF-style: chr17-42563224-A-G. GRCh37 (hg19) VCF-style: chr17-40715242-A-G.
Other names: c.602A>G, p.Asp201Gly (NM_001042529.3); c.689A>G, p.Asp230Gly (NM_001042532.4); short protein forms D201G, D230G.
Identifiers: ClinVar variation 2129428 (VCV002129428.4), dbSNP rs2510678811, ClinGen allele CA399618570.